The following is an entry in ClinVar:

NM_006901.4(MYO9A):c.2018G>A (p.Arg673His)

Gene: MYO9A (myosin IXA; minus strand). Cytogenetic location: 15q23.
Variant type: single nucleotide variant.
Coding change: c.2018G>A on transcript NM_006901.4 (MANE Select); coding-DNA position 2018, G replaced by A.
Protein change: p.Arg673His; replaces arginine 673 with histidine.
Molecular consequence: missense variant.
Genome position (GRCh38, 1-based): chr15:71,960,065, C>T on the plus strand (G>A on the coding strand, the complement: MYO9A is on the minus strand). VCF-style: chr15-71960065-C-T. GRCh37 (hg19) VCF-style: chr15-72252406-C-T.
Other names: short protein forms R673H.
Identifiers: ClinVar variation 3388753 (VCV003388753.14).

ClinVar aggregate classification (germline): Uncertain significance (1 of 4 stars; one submission).

gnomAD v4.1: 198 of 1,613,782 alleles (0.012%); highest among the groups gnomAD compares: Non-Finnish European, 0.016%; no homozygotes.

Submission:

CeGaT Center for Human Genetics Tuebingen
Classification: Uncertain significance. Last evaluated: 2024-09-01. Review status: criteria provided, single submitter. Criteria: CeGaT Center For Human Genetics Tuebingen Variant Classification Criteria Version 2. Collection method: clinical testing. Allele origin: germline. Affected: yes. Observed: 1 variant allele.
Comment: MYO9A: PM2:Supporting, PP3